The following is an entry in ClinVar:

ClinVar aggregate classification (germline): Uncertain significance (1 of 4 stars; one submission).

Conditions:
Duchenne muscular dystrophy (DMD). Also called: MUSCULAR DYSTROPHY, PSEUDOHYPERTROPHIC PROGRESSIVE, DUCHENNE TYPE; Duchenne Muscular Dystrophy (DMD). Identifiers: Orphanet 98896, MedGen C0013264, MONDO:0010679, OMIM 310200.

Submission:

Labcorp Genetics (formerly Invitae), Labcorp
Classification: Uncertain significance for Duchenne muscular dystrophy. Last evaluated: 2023-10-13. Review status: criteria provided, single submitter. Criteria: Invitae Variant Classification Sherloc (09022015). Collection method: clinical testing. Allele origin: germline.
Comment: This sequence change falls in intron 34 of the DMD gene. It does not directly change the encoded amino acid sequence of the DMD protein. It affects a nucleotide within the consensus splice site. This variant is not present in population databases (gnomAD no frequency). This variant has not been reported in the literature in individuals affected with DMD-related conditions. Variants that disrupt the consensus splice site are a relatively common cause of aberrant splicing (PMID: 17576681, 9536098). Algorithms developed to predict the effect of sequence changes on RNA splicing suggest that this variant may disrupt the consensus splice site. In summary, the available evidence is currently insufficient to determine the role of this variant in disease. Therefore, it has been classified as a Variant of Uncertain Significance.

Literature cited by the submitters: PubMed 17576681; PubMed 9536098.

NM_004006.3(DMD):c.4846-3C>G

Gene: DMD (dystrophin; minus strand). Cytogenetic location: Xp21.1.
Variant type: single nucleotide variant.
Coding change: c.4846-3C>G on transcript NM_004006.3 (MANE Select); 3 bases into the intron before coding-DNA position 4846, C replaced by G.
Molecular consequence: intron variant.
Genome position (GRCh38, 1-based): chrX:32,365,202, G>C on the plus strand (C>G on the coding strand, the complement: DMD is on the minus strand). VCF-style: chrX-32365202-G-C. GRCh37 (hg19) VCF-style: chrX-32383319-G-C.
Other names: c.4822-3C>G (NM_000109.4); c.823-3C>G (NM_004011.4); c.814-3C>G (NM_004012.4); c.4834-3C>G (NM_004009.3); c.4477-3C>G (NM_004010.3).
Identifiers: ClinVar variation 2768086 (VCV002768086.3), dbSNP rs2522573788, ClinGen allele CA2697552984.
Genomic context (GRCh38, chrX:32,365,202, plus strand): 5'-CTACCTCTGTGATACTCTTCAGGTGCACCTTCTGTTTCTCAATCTCTTTTTGAGTAGCCT[G>C]TGAAAAGGAGAGCATTGACCTTCAAGTAATGTCTTGTAGTCTTAAGATTTAATGCTTATG-3'